The following is an entry in ClinVar:

ClinVar aggregate classification (germline): Uncertain significance. Review status: criteria provided, multiple submitters, no conflicts (2 of 4 stars). 2 submissions from 2 submitters: Uncertain significance (2). Last evaluated 2023-11-17.

Submissions (2):

Blueprint Genetics
Classification: Uncertain significance. Last evaluated: 2023-11-17. Review status: criteria provided, single submitter. Criteria: ACMG Guidelines, 2015. Collection method: clinical testing. Allele origin: germline.

Labcorp Genetics (formerly Invitae), Labcorp
Classification: Uncertain significance. Last evaluated: 2023-11-13. Review status: criteria provided, single submitter. Criteria: Invitae Variant Classification Sherloc (09022015). Collection method: clinical testing. Allele origin: germline.
Comment: This sequence change creates a premature translational stop signal (p.Gly205Valfs*23) in the RGS9BP gene. While this is not anticipated to result in nonsense mediated decay, it is expected to disrupt the last 31 amino acid(s) of the RGS9BP protein. The frequency data for this variant in the population databases is considered unreliable, as metrics indicate poor data quality at this position in the gnomAD database. This variant has not been reported in the literature in individuals affected with RGS9BP-related conditions. ClinVar contains an entry for this variant (Variation ID: 1432128). Experimental studies and prediction algorithms are not available or were not evaluated, and the functional significance of this variant is currently unknown. In summary, the available evidence is currently insufficient to determine the role of this variant in disease. Therefore, it has been classified as a Variant of Uncertain Significance.

NM_207391.3(RGS9BP):c.614del (p.Gly205fs)

Gene: RGS9BP (regulator of G protein signaling 9 binding protein; plus strand). Cytogenetic location: 19q13.11.
Variant type: Deletion.
Coding change: c.614del on transcript NM_207391.3 (MANE Select); coding-DNA position 614, one base deleted (G; older notation c.614delG).
Protein change: p.Gly205fs; shifts the reading frame from glycine 205.
Molecular consequence: frameshift variant.
Genome position (GRCh38, 1-based): chr19:32,676,877, G deleted; the last of 8 consecutive G bases (chr19:32,676,870-32,676,877); deleting any one gives the same sequence. VCF-style (leftmost placement, unchanged base first): chr19-32676869-CG-C. GRCh37 (hg19) VCF-style: chr19-33167775-CG-C.
Other names: short protein forms G205fs.
Identifiers: ClinVar variation 1432128 (VCV001432128.8), dbSNP rs757764760, ClinGen allele CA9357563.